The following is an entry in ClinVar:

ClinVar aggregate classification (germline): Uncertain significance. Review status: criteria provided, single submitter (1 of 4 stars). 2 submissions from 2 submitters: Uncertain significance (1). 1 of the submissions does not count toward it. Last evaluated 2024-10-09.

Conditions:
MGAT2-congenital disorder of glycosylation. Also called: MGAT2-CDG; Congenital disorder of glycosylation, type IIa; MENTAL RETARDATION, GROWTH RETARDATION, PROMINENT COLUMELLA, AND OPEN MOUTH; Alkuraya syndrome; CDG IIa. Identifiers: Orphanet 79329, MedGen C2931008, MONDO:0008908, OMIM 212066.

Allele frequency attached by ClinVar (database versions not stated): gnomAD exomes below 0.00001 and 0.00001; ExAC 0.00001; gnomAD 0.00001; TOPMed 0.00001.

Submissions (2):

Women's Health and Genetics/Laboratory Corporation of America, LabCorp
Classification: Uncertain significance. Last evaluated: 2024-10-09. Review status: criteria provided, single submitter. Criteria: LabCorp Variant Classification Summary - May 2015. Collection method: clinical testing. Allele origin: germline.
Comment: Variant summary: MGAT2 c.1120C>T (p.His374Tyr) results in a conservative amino acid change in the encoded protein sequence. Four of five in-silico tools predict a damaging effect of the variant on protein function. The variant allele was found at a frequency of 4e-06 in 251456 control chromosomes. The available data on variant occurrences in the general population are insufficient to allow any conclusion about variant significance. To our knowledge, no occurrence of c.1120C>T in individuals affected with MGAT2-Congenital Disorder Of Glycosylation and no experimental evidence demonstrating its impact on protein function have been reported. ClinVar contains an entry for this variant (Variation ID: 617656). Based on the evidence outlined above, the variant was classified as uncertain significance.

Lab Thiel (Congenital Disorders of Glycosylation), Center for Child and Adolescent Medicine
Classification: Pathogenic for MGAT2-congenital disorder of glycosylation. Review status: no assertion criteria provided. Collection method: research. Allele origin: germline. Inheritance: Autosomal recessive inheritance. Affected: yes. Not counted in ClinVar's aggregate classification.

NM_002408.4(MGAT2):c.1120C>T (p.His374Tyr)

Gene: MGAT2 (alpha-1,6-mannosyl-glycoprotein 2-beta-N-acetylglucosaminyltransferase; plus strand). Cytogenetic location: 14q21.3.
Variant type: single nucleotide variant.
Coding change: c.1120C>T on transcript NM_002408.4 (MANE Select); coding-DNA position 1120, C replaced by T.
Protein change: p.His374Tyr; replaces histidine 374 with tyrosine.
Molecular consequence: missense variant.
Genome position (GRCh38, 1-based): chr14:49,622,388, C>T. VCF-style: chr14-49622388-C-T. GRCh37 (hg19) VCF-style: chr14-50089106-C-T.
Other names: short protein forms H374Y.
Identifiers: ClinVar variation 617656 (VCV000617656.2), dbSNP rs776531113, ClinGen allele CA7172641.
Genomic context (GRCh38, chr14:49,622,388, plus strand): 5'-ACTGTATCTTGTCTTCCAAAATTCTGGAAAGTGCTGGTTCCTCAAATTCCTAGGATCTTT[C>T]ATGCTGGAGACTGTGGTATGCATCACAAGAAAACCTGTAGACCATCCACTCAGAGTGCCC-3'
Protein context (NP_002399.1, residues 364-384): VLVPQIPRIF[His374Tyr]AGDCGMHHKK